The following is an entry in ClinVar:

ClinVar aggregate classification (germline): Conflicting classifications of pathogenicity. Review status: criteria provided, conflicting classifications (1 of 4 stars). 2 submissions from 2 submitters: Uncertain significance (1); Benign (1). Last evaluated 2025-12-15.

Conditions:
Intellectual developmental disorder, autosomal dominant 6, with or without seizures. Also called: Intellectual disability, autosomal dominant 6; GRIN2B-related developmental delay, intellectual disability and autism spectrum disorder. Identifiers: Orphanet 589547, MedGen C3151411, MONDO:0013509, OMIM 613970.
Developmental and epileptic encephalopathy, 27 (DEE27). Also called: Epileptic encephalopathy, early infantile, 27; GRIN2B-Related Neurodevelopmental Disorder. Identifiers: Orphanet 3451, MedGen C4015316, MONDO:0014505, OMIM 616139.

Allele frequency attached by ClinVar (database versions not stated): TOPMed 0.00001; gnomAD 0.00002.
gnomAD v4.1: 3 of 1,614,108 alleles (0.00019%); highest among the groups gnomAD compares: African/African-American, 0.004%; no homozygotes.

Submissions (2):

GeneDx
Classification: Uncertain significance. Last evaluated: 2025-12-15. Review status: criteria provided, single submitter. Criteria: GeneDx Variant Classification Process June 2021. Collection method: clinical testing. Allele origin: germline.
Comment: Not observed at significant frequency in large population cohorts (gnomAD); In silico analysis suggests that this missense variant does not alter protein structure/function; Has not been previously published as pathogenic or benign to our knowledge

Labcorp Genetics (formerly Invitae), Labcorp
Classification: Benign for Developmental and epileptic encephalopathy, 27; Intellectual developmental disorder, autosomal dominant 6, with or without seizures. Last evaluated: 2021-03-05. Review status: criteria provided, single submitter. Criteria: Invitae Variant Classification Sherloc (09022015). Collection method: clinical testing. Allele origin: germline.

NM_000834.5(GRIN2B):c.598G>C (p.Glu200Gln)

Gene: GRIN2B (glutamate ionotropic receptor NMDA type subunit 2B; minus strand). Cytogenetic location: 12p13.1.
Variant type: single nucleotide variant.
Coding change: c.598G>C on transcript NM_000834.5 (MANE Select); coding-DNA position 598, G replaced by C.
Protein change: p.Glu200Gln; replaces glutamic acid 200 with glutamine.
Molecular consequence: missense variant.
Genome position (GRCh38, 1-based): chr12:13,753,729, C>G on the plus strand (G>C on the coding strand, the complement: GRIN2B is on the minus strand). VCF-style: chr12-13753729-C-G. GRCh37 (hg19) VCF-style: chr12-13906663-C-G.
Other names: c.598G>C (NM_000834.3); short protein forms E200Q.
Identifiers: ClinVar variation 1168429 (VCV001168429.11), dbSNP rs1196117849, ClinGen allele CA384054214.